The following is an entry in ClinVar:

ClinVar aggregate classification (germline): Uncertain significance (1 of 4 stars; one submission).

Submission:

Ambry Genetics
Classification: Uncertain significance. Last evaluated: 2024-06-08. Review status: criteria provided, single submitter. Criteria: Ambry Variant Classification Scheme 2023. Collection method: clinical testing. Allele origin: germline.
Comment: The p.Q1471P variant (also known as c.4412A>C), located in coding exon 4 of the ALPK2 gene, results from an A to C substitution at nucleotide position 4412. The glutamine at codon 1471 is replaced by proline, an amino acid with similar properties. This amino acid position is conserved. In addition, this alteration is predicted to be tolerated by in silico analysis. Based on the available evidence, the clinical significance of this variant remains unclear.

NM_052947.4(ALPK2):c.4412A>C (p.Gln1471Pro)

Genes: ALPK2 (alpha kinase 2; minus strand), LOC126862764 (BRD4-independent group 4 enhancer GRCh37_chr18:56202574-56203773; plus strand). Cytogenetic location: 18q21.31.
Variant type: single nucleotide variant.
Coding change: c.4412A>C on transcript NM_052947.4 (MANE Select); coding-DNA position 4412, A replaced by C.
Protein change: p.Gln1471Pro; replaces glutamine 1471 with proline.
Molecular consequence: missense variant.
Genome position (GRCh38, 1-based): chr18:58,535,775, T>G on the plus strand (A>C on the coding strand, the complement: ALPK2 is on the minus strand). VCF-style: chr18-58535775-T-G. GRCh37 (hg19) VCF-style: chr18-56203007-T-G.
Other names: short protein forms Q1471P.
Identifiers: ClinVar variation 3289259 (VCV003289259.1).